The following is an entry in ClinVar:

NM_138711.6(PPARG):c.729+31dup

Genes: PPARG (peroxisome proliferator activated receptor gamma; plus strand), LOC114803475 (PPARG eExon liver enhancer; plus strand). Cytogenetic location: 3p25.2.
Variant type: Duplication.
Coding change: c.729+31dup on transcript NM_138711.6 (MANE Select); 31 bases into the intron after coding-DNA position 729, one base duplicated (G; older notation c.729+31dupG).
Molecular consequence: intron variant. On other transcripts: frameshift variant (2).
Genome position (GRCh38, 1-based): chr3:12,406,112, G duplicated; the last of 5 consecutive G bases (chr3:12,406,108-12,406,112); duplicating any one gives the same sequence. VCF-style (leftmost placement, unchanged base first): chr3-12406107-T-TG. GRCh37 (hg19) VCF-style: chr3-12447606-T-TG.
Other names: c.850dupG (NM_001354668.1); c.850dup, p.Glu284fs (NM_001354668.2); c.766dup, p.Glu256fs (NM_001354670.2); c.729+31dup (NM_001354666.3, NM_138712.5, NM_005037.7 and 6 more transcripts); c.103-10592dup (NM_001354669.2); c.653+113dup (NM_001374266.1); c.819+31dup (NM_015869.5, NM_001374265.1); short protein forms E256fs, E284fs.
Identifiers: ClinVar variation 2632802 (VCV002632802.4), dbSNP rs769209078, ClinGen allele CA2258252.
Genomic context (GRCh38, chr3:12,406,107, plus strand): 5'-GGGCGATCTTGACAGGAAAGACAACAGACAAATCAGTTAGTTCTCTTCTGCTGTCTTCAT[T>TG]GGGGGAGGCGGGAAGTTGTTTTGGGTTTTTGTTTCTTTGAGTAAATGGTTTACTGCGCTA-3'

ClinVar aggregate classification (germline): Uncertain significance (1 of 4 stars; one submission).

Conditions:
PPARG-related disorder. Also called: PPARG-related condition; PPARG-related disorders.

Submission:

PreventionGenetics, part of Exact Sciences
Classification: Uncertain significance for PPARG-related condition. Last evaluated: 2026-04-27. Review status: criteria provided, single submitter. Criteria: ACMG Guidelines, 2015. Collection method: clinical testing. Allele origin: germline.
Comment: The PPARG c.850dupG variant is predicted to result in a frameshift and premature protein termination (p.Glu284Glyfs*68). This variant is not predicted to alter splicing based on available splicing prediction programs (SpliceAI, Jaganathan et al. 2019. PubMed ID: 30661751). In an alternate transcript NM_001354668.1, this variant is described as c.850dup and is predicted to result in a frameshift and protein extension (p.Glu284Glyfs*68). Importantly, all transcripts that predict a frameshift are reported to have low RNA expression levels, suggesting this is likely tolerated. To our knowledge, this variant has not been reported in the literature. This variant is reported in 0.013% of alleles in individuals of European (non-Finnish) descent in gnomAD. At this time, the clinical significance of this variant is uncertain due to the absence of conclusive functional and genetic evidence.